The following is an entry in ClinVar:

NM_001110556.2(FLNA):c.5774T>G (p.Leu1925Arg)

Gene: FLNA (filamin A; minus strand). Cytogenetic location: Xq28.
Variant type: single nucleotide variant.
Coding change: c.5774T>G on transcript NM_001110556.2 (MANE Select); coding-DNA position 5774, T replaced by G.
Protein change: p.Leu1925Arg; replaces leucine 1925 with arginine.
Molecular consequence: missense variant.
Genome position (GRCh38, 1-based): chrX:154,353,640, A>C on the plus strand (T>G on the coding strand, the complement: FLNA is on the minus strand). VCF-style: chrX-154353640-A-C. GRCh37 (hg19) VCF-style: chrX-153582008-A-C.
Other names: c.5750T>G, p.Leu1917Arg (NM_001456.4); short protein forms L1925R, L1917R.
Identifiers: ClinVar variation 1385586 (VCV001385586.6), dbSNP rs2148105776, ClinGen allele CA415199491.
Genomic context (GRCh38, chrX:154,353,640, plus strand): 5'-CCTGGGACGTGCTGTTCATTGTACTTGACTAGAATGCTGTAGTCCCCCGGCAGCACAGGC[A>C]GGTAGGACACGCTGCATGTCCCATCCTGGTTGTCAGTGCAGCTGATTTCTGCTTTGGACG-3'
Protein context (NP_001104026.1, residues 1915-1935): NQDGTCSVSY[Leu1925Arg]PVLPGDYSIL

ClinVar aggregate classification (germline): Uncertain significance (1 of 4 stars; one submission).

Conditions:
Heterotopia, periventricular, X-linked dominant (PVNH1). Also called: PERIVENTRICULAR NODULAR HETEROTOPIA 4; HETEROTOPIA, PERIVENTRICULAR, 1; PERIVENTRICULAR NODULAR HETEROTOPIA 1; X-linked periventricular heterotopia. Identifiers: Orphanet 2149, Orphanet 82004, MedGen C1848213, MONDO:0010233, OMIM 300049.
Melnick-Needles syndrome (MNS). Also called: MELNICK-NEEDLES OSTEODYSPLASTY; OSTEODYSPLASTY OF MELNICK AND NEEDLES; Melnick-Needles Syndrome (FLNA-MNS). Identifiers: Orphanet 2484, MedGen C0025237, MONDO:0010650, OMIM 309350.
Frontometaphyseal dysplasia (FMD1). Identifiers: Orphanet 1826, MedGen C0265293, MONDO:0015942.
Oto-palato-digital syndrome, type II (OPD2). Also called: FACIOPALATOOSSEOUS SYNDROME; OPD II SYNDROME; Otopalatodigital Syndrome, Type II; Otopalatodigital Syndrome Type 2 (FLNA-OPD2). Identifiers: Orphanet 669, Orphanet 90652, MedGen C1844696, MONDO:0010571, OMIM 304120.

Submission:

Labcorp Genetics (formerly Invitae), Labcorp
Classification: Uncertain significance for Oto-palato-digital syndrome, type II; Heterotopia, periventricular, X-linked dominant; Frontometaphyseal dysplasia; Melnick-Needles syndrome. Last evaluated: 2022-12-06. Review status: criteria provided, single submitter. Criteria: Invitae Variant Classification Sherloc (09022015). Collection method: clinical testing. Allele origin: germline.
Comment: In summary, the available evidence is currently insufficient to determine the role of this variant in disease. Therefore, it has been classified as a Variant of Uncertain Significance. Advanced modeling of protein sequence and biophysical properties (such as structural, functional, and spatial information, amino acid conservation, physicochemical variation, residue mobility, and thermodynamic stability) performed at Invitae indicates that this missense variant is not expected to disrupt FLNA protein function. ClinVar contains an entry for this variant (Variation ID: 1385586). This variant has not been reported in the literature in individuals affected with FLNA-related conditions. This variant is not present in population databases (gnomAD no frequency). This sequence change replaces leucine, which is neutral and non-polar, with arginine, which is basic and polar, at codon 1917 of the FLNA protein (p.Leu1917Arg).